The following is an entry in ClinVar:

ClinVar aggregate classification (germline): Pathogenic (1 of 4 stars; one submission).

Conditions:
Long QT syndrome (LQTS). Identifiers: MedGen C0023976, MeSH D008133, MONDO:0002442. Disease mechanism: loss of function. Inheritance: Various modes of inheritance.

Submission:

Labcorp Genetics (formerly Invitae), Labcorp
Classification: Pathogenic for Long QT syndrome. Last evaluated: 2023-08-24. Review status: criteria provided, single submitter. Criteria: Invitae Variant Classification Sherloc (09022015). Collection method: clinical testing. Allele origin: germline.
Comment: This sequence change creates a premature translational stop signal (p.Asn257Glnfs*75) in the KCNH2 gene. It is expected to result in an absent or disrupted protein product. Loss-of-function variants in KCNH2 are known to be pathogenic (PMID: 10973849, 19862833). This variant is not present in population databases (gnomAD no frequency). This variant has not been reported in the literature in individuals affected with KCNH2-related conditions. For these reasons, this variant has been classified as Pathogenic.

Literature cited by the submitters: PubMed 10973849; PubMed 19862833.

NM_000238.4(KCNH2):c.767dup (p.Asn257fs)

Gene: KCNH2 (potassium voltage-gated channel subfamily H member 2; minus strand). Cytogenetic location: 7q36.1.
Variant type: Duplication.
Coding change: c.767dup on transcript NM_000238.4 (MANE Select); coding-DNA position 767, one base duplicated (T; older notation c.767dupT).
Protein change: p.Asn257fs; shifts the reading frame from asparagine 257.
Molecular consequence: frameshift variant. On other transcripts: non-coding transcript variant (1).
Genome position (GRCh38, 1-based): chr7:150,958,208, A duplicated on the plus strand (T on the coding strand, the reverse complement: KCNH2 is on the minus strand). VCF-style (leftmost placement, unchanged base first): chr7-150958207-G-GA. GRCh37 (hg19) VCF-style: chr7-150655295-G-GA.
Other names: c.479dup, p.Asn161fs (NM_001406753.1, NM_001406756.1); c.590dup, p.Asn198fs (NM_001406755.1); c.467dup, p.Asn157fs (NM_001406757.1); c.767dup, p.Asn257fs (NM_172056.3); short protein forms N257fs, N161fs, N198fs, N157fs.
Identifiers: ClinVar variation 2754986 (VCV002754986.3), dbSNP rs2486090280, ClinGen allele CA2697549696.